The following is an entry in ClinVar:

ClinVar aggregate classification (germline): Uncertain significance (1 of 4 stars; one submission).

Allele frequency attached by ClinVar (database versions not stated): gnomAD exomes 0.00001 and 0.00002; ExAC 0.00002.

Submission:

Labcorp Genetics (formerly Invitae), Labcorp
Classification: Uncertain significance. Last evaluated: 2025-08-31. Review status: criteria provided, single submitter. Criteria: Invitae Variant Classification Sherloc (09022015). Collection method: clinical testing. Allele origin: germline.
Comment: This sequence change replaces arginine, which is basic and polar, with cysteine, which is neutral and slightly polar, at codon 176 of the CLCN6 protein (p.Arg176Cys). This variant is present in population databases (rs779467785, gnomAD 0.02%). This variant has not been reported in the literature in individuals affected with CLCN6-related conditions. ClinVar contains an entry for this variant (Variation ID: 1391723). An algorithm developed to predict the effect of missense changes on protein structure and function (PolyPhen-2) suggests that this variant is likely to be disruptive. In summary, the available evidence is currently insufficient to determine the role of this variant in disease. Therefore, it has been classified as a Variant of Uncertain Significance.

NM_001286.5(CLCN6):c.526C>T (p.Arg176Cys)

Gene: CLCN6 (chloride voltage-gated channel 6; plus strand). Cytogenetic location: 1p36.22.
Variant type: single nucleotide variant.
Coding change: c.526C>T on transcript NM_001286.5 (MANE Select); coding-DNA position 526, C replaced by T.
Protein change: p.Arg176Cys; replaces arginine 176 with cysteine.
Molecular consequence: missense variant. On other transcripts: non-coding transcript variant (1).
Genome position (GRCh38, 1-based): chr1:11,823,779, C>T. VCF-style: chr1-11823779-C-T. GRCh37 (hg19) VCF-style: chr1-11883836-C-T.
Other names: c.460C>T, p.Arg154Cys (NM_001256959.2); short protein forms R154C, R176C.
Identifiers: ClinVar variation 1391723 (VCV001391723.6), dbSNP rs779467785, ClinGen allele CA596116.
Genomic context (GRCh38, chr1:11,823,779, plus strand): 5'-GGTTCCGGGATACCCGAGGTCAAATGCTATCTGAATGGCGTAAAGGTGCCAGGAATCGTC[C>T]GTCTCCGGACCCTGCTCTGCAAGGTCCTTGGAGTGCTGTTCAGTGTGGCTGGAGGTAAGA-3'
Protein context (NP_001277.2, residues 166-186): LNGVKVPGIV[Arg176Cys]LRTLLCKVLG